The following is an entry in ClinVar:

ClinVar aggregate classification (germline): Uncertain significance. Review status: criteria provided, multiple submitters, no conflicts (2 of 4 stars). 3 submissions from 3 submitters: Uncertain significance (2). 1 of the submissions does not count toward it. Last evaluated 2021-09-01.

Conditions:
Charcot-Marie-Tooth disease type 4D. Also called: CHARCOT-MARIE-TOOTH DISEASE, DEMYELINATING, TYPE 4D; NEUROPATHY, HEREDITARY MOTOR AND SENSORY, LOM TYPE; CHARCOT-MARIE-TOOTH DISEASE, DEMYELINATING, AUTOSOMAL RECESSIVE, TYPE 4D; Charcot-Marie-Tooth Neuropathy Type 4D. Identifiers: Orphanet 99950, MedGen C1832334, MONDO:0011085, OMIM 601455.
Charcot-Marie-Tooth disease type 4. Also called: Charcot-Marie-Tooth disease, type IV; Charcot-Marie-Tooth, Type 4. Identifiers: Orphanet 64749, MedGen C4082197, MONDO:0018995.

Allele frequency attached by ClinVar (database versions not stated): TOPMed 0.00002; gnomAD 0.00001.
gnomAD v4.1: 19 of 1,559,220 alleles (0.0012%); highest among the groups gnomAD compares: Admixed American, 0.0039%; no homozygotes.

Submissions (3):

Labcorp Genetics (formerly Invitae), Labcorp
Classification: Uncertain significance for Charcot-Marie-Tooth disease type 4. Last evaluated: 2021-09-01. Review status: criteria provided, single submitter. Criteria: Invitae Variant Classification Sherloc (09022015). Collection method: clinical testing. Allele origin: germline.
Comment: This sequence change replaces alanine with threonine at codon 385 of the NDRG1 protein (p.Ala385Thr). The alanine residue is moderately conserved and there is a small physicochemical difference between alanine and threonine. This variant is not present in population databases (ExAC no frequency). This variant has not been reported in the literature in individuals affected with NDRG1-related conditions. Algorithms developed to predict the effect of missense changes on protein structure and function (SIFT, PolyPhen-2, Align-GVGD) all suggest that this variant is likely to be tolerated. In summary, the available evidence is currently insufficient to determine the role of this variant in disease. Therefore, it has been classified as a Variant of Uncertain Significance.

Athena Diagnostics
Classification: Uncertain significance. Last evaluated: 2020-07-07. Review status: criteria provided, single submitter. Criteria: Athena Diagnostics Criteria. Collection method: clinical testing. Allele origin: unknown.

Natera, Inc.
Classification: Uncertain significance for Charcot-Marie-Tooth disease type 4D. Last evaluated: 2020-07-09. Review status: no assertion criteria provided. Collection method: clinical testing. Allele origin: germline. Not counted in ClinVar's aggregate classification.

NM_006096.4(NDRG1):c.1153G>A (p.Ala385Thr)

Gene: NDRG1 (N-myc downstream regulated 1; minus strand). Cytogenetic location: 8q24.22.
Variant type: single nucleotide variant.
Coding change: c.1153G>A on transcript NM_006096.4 (MANE Select); coding-DNA position 1153, G replaced by A.
Protein change: p.Ala385Thr; replaces alanine 385 with threonine.
Molecular consequence: missense variant.
Genome position (GRCh38, 1-based): chr8:133,238,910, C>T on the plus strand (G>A on the coding strand, the complement: NDRG1 is on the minus strand). VCF-style: chr8-133238910-C-T. GRCh37 (hg19) VCF-style: chr8-134251153-C-T.
Other names: c.1153G>A, p.Ala385Thr (NM_001135242.2, NM_001374845.1, NM_001374846.1); c.955G>A, p.Ala319Thr (NM_001258432.2, NM_001374847.1); c.910G>A, p.Ala304Thr (NM_001258433.2); c.1204G>A, p.Ala402Thr (NM_001374844.1); short protein forms A385T, A304T, A319T, A402T.
Identifiers: ClinVar variation 655683 (VCV000655683.8), dbSNP rs1276408714, ClinGen allele CA372254236.